The following is an entry in ClinVar:

ClinVar aggregate classification (germline): Uncertain significance (1 of 4 stars; one submission).

Conditions:
Ullrich congenital muscular dystrophy 2 (UCMD2). Identifiers: Orphanet 75840, MedGen C4225314, MONDO:0014654, OMIM 616470.
Bethlem myopathy 2 (BTHLM2). Identifiers: Orphanet 536516, Orphanet 610, MedGen C4225313, MONDO:0034022, OMIM 616471.

Allele frequency attached by ClinVar (database versions not stated): gnomAD exomes below 0.00001.
gnomAD v4.1: 1 of 1,613,912 alleles (0.000062%); highest among the groups gnomAD compares: South Asian, 0.0011%; no homozygotes.

Submission:

Labcorp Genetics (formerly Invitae), Labcorp
Classification: Uncertain significance for Bethlem myopathy 2; Ullrich congenital muscular dystrophy 2. Last evaluated: 2023-02-21. Review status: criteria provided, single submitter. Criteria: Invitae Variant Classification Sherloc (09022015). Collection method: clinical testing. Allele origin: germline.
Comment: Advanced modeling of protein sequence and biophysical properties (such as structural, functional, and spatial information, amino acid conservation, physicochemical variation, residue mobility, and thermodynamic stability) performed at Invitae indicates that this missense variant is not expected to disrupt COL12A1 protein function. In summary, the available evidence is currently insufficient to determine the role of this variant in disease. Therefore, it has been classified as a Variant of Uncertain Significance. This variant has not been reported in the literature in individuals affected with COL12A1-related conditions. This variant is not present in population databases (gnomAD no frequency). This sequence change replaces valine, which is neutral and non-polar, with leucine, which is neutral and non-polar, at codon 1043 of the COL12A1 protein (p.Val1043Leu).

NM_004370.6(COL12A1):c.3127G>T (p.Val1043Leu)

Gene: COL12A1 (collagen type XII alpha 1 chain; minus strand). Cytogenetic location: 6q13.
Variant type: single nucleotide variant.
Coding change: c.3127G>T on transcript NM_004370.6 (MANE Select); coding-DNA position 3127, G replaced by T.
Protein change: p.Val1043Leu; replaces valine 1043 with leucine.
Molecular consequence: missense variant. On other transcripts: intron variant (2).
Genome position (GRCh38, 1-based): chr6:75,156,380, C>A on the plus strand (G>T on the coding strand, the complement: COL12A1 is on the minus strand). VCF-style: chr6-75156380-C-A. GRCh37 (hg19) VCF-style: chr6-75866096-C-A.
Other names: c.74-3898G>T (NM_001424116.1, NM_080645.3); c.3127G>T, p.Val1043Leu (NM_001424113.1, NM_001424114.1); c.2854G>T, p.Val952Leu (NM_001424115.1); short protein forms V952L, V1043L.
Identifiers: ClinVar variation 2939030 (VCV002939030.3), dbSNP rs1767763832, ClinGen allele CA364753978.